The following is an entry in ClinVar:

ClinVar aggregate classification (germline): Likely benign (1 of 4 stars; one submission).

Conditions:
DLG2-related disorder. Also called: DLG2-related condition.

Submission:

PreventionGenetics, part of Exact Sciences
Classification: Likely benign for DLG2-related condition. Last evaluated: 2026-05-29. Review status: criteria provided, single submitter. Criteria: ACMG Guidelines, 2015. Collection method: clinical testing. Allele origin: germline.
Comment: This variant is classified as likely benign based on ACMG/AMP sequence variant interpretation guidelines (Richards et al. 2015 PMID: 25741868, with internal and published modifications).

NM_001142699.3(DLG2):c.-124A>G

Gene: DLG2 (discs large MAGUK scaffold protein 2; minus strand). Cytogenetic location: 11q14.1.
Variant type: single nucleotide variant.
Coding change: c.-124A>G on transcript NM_001142699.3 (MANE Select); 124 bases upstream of the start codon, A replaced by G.
Molecular consequence: 5 prime UTR variant.
Genome position (GRCh38, 1-based): chr11:85,626,618, T>C on the plus strand (A>G on the coding strand, the complement: DLG2 is on the minus strand). VCF-style: chr11-85626618-T-C. GRCh37 (hg19) VCF-style: chr11-85337662-T-C.
Other names: c.-1A>G (NM_001351274.2, NM_001351275.2).
Identifiers: ClinVar variation 4981183 (VCV004981183.1).